The following is an entry in ClinVar:

ClinVar aggregate classification (germline): Conflicting classifications of pathogenicity. Review status: criteria provided, conflicting classifications (1 of 4 stars). 5 submissions from 5 submitters: Uncertain significance (4); Likely benign (1). Last evaluated 2024-01-16.

Conditions:
Polycystic kidney disease 4 (PKD4). Also called: POLYCYSTIC KIDNEY AND HEPATIC DISEASE 1; POLYCYSTIC KIDNEY DISEASE, INFANTILE, TYPE I; PKD3; Autosomal Recessive Polycystic Kidney Disease – PKHD1; POLYCYSTIC KIDNEY DISEASE 4 WITH OR WITHOUT POLYCYSTIC LIVER DISEASE. Identifiers: MedGen C4540575, MONDO:0033004, OMIM 263200.
Inborn genetic diseases. Identifiers: MedGen C0950123, MeSH D030342.
Autosomal recessive polycystic kidney disease (ARPKD). Also called: AR polycystic kidney disease. Identifiers: Orphanet 731, Orphanet 8378, MedGen C0085548, MeSH D017044, MONDO:0009889.

Allele frequency attached by ClinVar (database versions not stated): gnomAD exomes 0.00001 and 0.00003; ExAC 0.00002; gnomAD 0.00004; TOPMed 0.00006; ESP Exome Variant Server 0.00008.
gnomAD v4.1: 25 of 1,612,172 alleles (0.0016%); highest among the groups gnomAD compares: African/African-American, 0.008%; no homozygotes.

Submissions (5):

Ambry Genetics
Classification: Likely benign for Inborn genetic diseases. Last evaluated: 2024-01-16. Review status: criteria provided, single submitter. Criteria: Ambry Variant Classification Scheme 2023. Collection method: clinical testing. Allele origin: germline.

GeneDx
Classification: Uncertain significance. Last evaluated: 2024-01-04. Review status: criteria provided, single submitter. Criteria: GeneDx Variant Classification Process June 2021. Collection method: clinical testing. Allele origin: germline. Affected: yes.
Comment: Not observed at significant frequency in large population cohorts (gnomAD); In silico analysis supports that this missense variant does not alter protein structure/function; Has not been previously published as pathogenic or benign to our knowledge

Labcorp Genetics (formerly Invitae), Labcorp
Classification: Uncertain significance for Autosomal recessive polycystic kidney disease. Last evaluated: 2022-06-01. Review status: criteria provided, single submitter. Criteria: Invitae Variant Classification Sherloc (09022015). Collection method: clinical testing. Allele origin: germline.
Comment: This sequence change replaces arginine, which is basic and polar, with histidine, which is basic and polar, at codon 1081 of the PKHD1 protein (p.Arg1081His). This variant is present in population databases (rs201123815, gnomAD 0.01%). This variant has not been reported in the literature in individuals affected with PKHD1-related conditions. ClinVar contains an entry for this variant (Variation ID: 196190). Advanced modeling of protein sequence and biophysical properties (such as structural, functional, and spatial information, amino acid conservation, physicochemical variation, residue mobility, and thermodynamic stability) performed at Invitae indicates that this missense variant is not expected to disrupt PKHD1 protein function. In summary, the available evidence is currently insufficient to determine the role of this variant in disease. Therefore, it has been classified as a Variant of Uncertain Significance.

Fulgent Genetics
Classification: Uncertain significance for Polycystic kidney disease 4. Last evaluated: 2022-01-07. Review status: criteria provided, single submitter. Criteria: ACMG Guidelines, 2015. Collection method: clinical testing. Allele origin: unknown.

Eurofins Ntd Llc (ga)
Classification: Uncertain significance. Last evaluated: 2017-02-17. Review status: criteria provided, single submitter. Criteria: EGL Classification Definitions 2015. Collection method: clinical testing. Allele origin: germline. Observed: 2 variant alleles, 2 heterozygotes.

NM_138694.4(PKHD1):c.3242G>A (p.Arg1081His)

Gene: PKHD1 (PKHD1 ciliary IPT domain containing fibrocystin/polyductin; minus strand). Cytogenetic location: 6p12.2.
Variant type: single nucleotide variant.
Coding change: c.3242G>A on transcript NM_138694.4 (MANE Select); coding-DNA position 3242, G replaced by A.
Protein change: p.Arg1081His; replaces arginine 1081 with histidine.
Molecular consequence: missense variant.
Genome position (GRCh38, 1-based): chr6:52,033,152, C>T on the plus strand (G>A on the coding strand, the complement: PKHD1 is on the minus strand). VCF-style: chr6-52033152-C-T. GRCh37 (hg19) VCF-style: chr6-51897950-C-T.
Other names: c.3242G>A (NM_138694.3); c.3242G>A, p.Arg1081His (NM_170724.3); short protein forms R1081H.
Identifiers: ClinVar variation 196190 (VCV000196190.9), dbSNP rs201123815, ClinGen allele CA243064.
Genomic context (GRCh38, chr6:52,033,152, plus strand): 5'-GTAAATGCTCTGGGAAGAACTGCAGAATAGTCCCCTCTGATCACAGTCACATTCACAATG[C>T]GTCCATCTTTCCCCTGAAAAATCAATTTTAAAAATTAAACCTCAGTTTTATTTTAAAGTA-3'
Protein context (NP_619639.3, residues 1071-1091): CKVPPRGKDG[Arg1081His]IVNVTVIRGD